The following is an entry in ClinVar:

ClinVar aggregate classification (germline): Uncertain significance (1 of 4 stars; one submission).

Conditions:
Neurodegeneration with brain iron accumulation 6 (NBIA6). Also called: COASY protein-associated neurodegeneration. Identifiers: Orphanet 397725, MedGen C4517377, MONDO:0014290, OMIM 615643.

Submission:

Labcorp Genetics (formerly Invitae), Labcorp
Classification: Uncertain significance for Neurodegeneration with brain iron accumulation 6. Last evaluated: 2025-10-01. Review status: criteria provided, single submitter. Criteria: Invitae Variant Classification Sherloc (09022015). Collection method: clinical testing. Allele origin: germline.
Comment: This sequence change replaces glutamic acid, which is acidic and polar, with aspartic acid, which is acidic and polar, at codon 455 of the COASY protein (p.Glu455Asp). This variant is not present in population databases (gnomAD no frequency). This variant has not been reported in the literature in individuals affected with COASY-related conditions. ClinVar contains an entry for this variant (Variation ID: 2092950). Invitae Evidence Modeling of protein sequence and biophysical properties (such as structural, functional, and spatial information, amino acid conservation, physicochemical variation, residue mobility, and thermodynamic stability) indicates that this missense variant is not expected to disrupt COASY protein function with a negative predictive value of 80%. In summary, the available evidence is currently insufficient to determine the role of this variant in disease. Therefore, it has been classified as a Variant of Uncertain Significance.

NM_025233.7(COASY):c.1365G>C (p.Glu455Asp)

Gene: COASY (Coenzyme A synthase; plus strand). Cytogenetic location: 17q21.2.
Variant type: single nucleotide variant.
Coding change: c.1365G>C on transcript NM_025233.7 (MANE Select); coding-DNA position 1365, G replaced by C.
Protein change: p.Glu455Asp; replaces glutamic acid 455 with aspartic acid.
Molecular consequence: missense variant.
Genome position (GRCh38, 1-based): chr17:42,565,289, G>C. VCF-style: chr17-42565289-G-C. GRCh37 (hg19) VCF-style: chr17-40717307-G-C.
Other names: c.1365G>C, p.Glu455Asp (NM_001042529.3); c.1452G>C, p.Glu484Asp (NM_001042532.4); short protein forms E455D, E484D.
Identifiers: ClinVar variation 2092950 (VCV002092950.4), dbSNP rs1426020887, ClinGen allele CA399599095.